The following is an entry in ClinVar:

NM_145167.3(PIGM):c.131A>G (p.His44Arg)

Gene: PIGM (phosphatidylinositol glycan anchor biosynthesis class M; minus strand). Cytogenetic location: 1q23.2.
Variant type: single nucleotide variant.
Coding change: c.131A>G on transcript NM_145167.3 (MANE Select); coding-DNA position 131, A replaced by G.
Protein change: p.His44Arg; replaces histidine 44 with arginine.
Molecular consequence: missense variant.
Genome position (GRCh38, 1-based): chr1:160,031,609, T>C on the plus strand (A>G on the coding strand, the complement: PIGM is on the minus strand). VCF-style: chr1-160031609-T-C. GRCh37 (hg19) VCF-style: chr1-160001399-T-C.
Other names: short protein forms H44R.
Identifiers: ClinVar variation 4808787 (VCV004808787.1).

ClinVar aggregate classification (germline): Uncertain significance (1 of 4 stars; one submission).

Conditions:
Hypercoagulability syndrome due to glycosylphosphatidylinositol deficiency (GPIBD1). Also called: GLYCOSYLPHOSPHATIDYLINOSITOL BIOSYNTHESIS DEFECT 1. Identifiers: Orphanet 83639, MedGen C5201145, MONDO:0012465, OMIM 610293.

gnomAD v4.1: 6 of 1,613,946 alleles (0.00037%); highest among the groups gnomAD compares: Non-Finnish European, 0.00042%; no homozygotes.

Submission:

Labcorp Genetics (formerly Invitae), Labcorp
Classification: Uncertain significance for Hypercoagulability syndrome due to glycosylphosphatidylinositol deficiency. Last evaluated: 2025-07-29. Review status: criteria provided, single submitter. Criteria: Invitae Variant Classification Sherloc (09022015). Collection method: clinical testing. Allele origin: germline.
Comment: This sequence change replaces histidine, which is basic and polar, with arginine, which is basic and polar, at codon 44 of the PIGM protein (p.His44Arg). This variant is present in population databases (rs148134581, gnomAD 0.002%). This variant has not been reported in the literature in individuals affected with PIGM-related conditions. Invitae Evidence Modeling of protein sequence and biophysical properties (such as structural, functional, and spatial information, amino acid conservation, physicochemical variation, residue mobility, and thermodynamic stability) indicates that this missense variant is not expected to disrupt PIGM protein function with a negative predictive value of 80%. In summary, the available evidence is currently insufficient to determine the role of this variant in disease. Therefore, it has been classified as a Variant of Uncertain Significance.